The following is an entry in ClinVar:

NM_000369.5(TSHR):c.693-1G>C

Genes: TSHR (thyroid stimulating hormone receptor; plus strand), TSHR-AS1 (TSHR antisense RNA 1; minus strand). Cytogenetic location: 14q31.1.
Variant type: single nucleotide variant.
Coding change: c.693-1G>C on transcript NM_000369.5 (MANE Select); the canonical splice acceptor site of the intron before coding-DNA position 693, G replaced by C.
Molecular consequence: splice acceptor variant.
Genome position (GRCh38, 1-based): chr14:81,139,678, G>C. VCF-style: chr14-81139678-G-C. GRCh37 (hg19) VCF-style: chr14-81606022-G-C.
Identifiers: ClinVar variation 2963180 (VCV002963180.3), dbSNP rs1566833256, ClinGen allele CA390725486.
Genomic context (GRCh38, chr14:81,139,678, plus strand): 5'-AGGCTGAGAAGGCCCTGGCTGCTCACTGCCTCTCTGCATTTTTCTGTTCTCTGCCTCCCA[G>C]GGACGTGTCTCAAACCAGTGTCACTGCCCTTCCATCCAAAGGCCTGGAGCACCTGAAGGA-3'

ClinVar aggregate classification (germline): Likely pathogenic (1 of 4 stars; one submission).

Allele frequency attached by ClinVar (database versions not stated): gnomAD exomes below 0.00001.
gnomAD v4.1: 2 of 1,613,992 alleles (0.00012%); highest among the groups gnomAD compares: Non-Finnish European, 0.00017%; no homozygotes.

Submission:

Labcorp Genetics (formerly Invitae), Labcorp
Classification: Likely pathogenic. Last evaluated: 2023-04-02. Review status: criteria provided, single submitter. Criteria: Invitae Variant Classification Sherloc (09022015). Collection method: clinical testing. Allele origin: germline.
Comment: This sequence change affects an acceptor splice site in intron 8 of the TSHR gene. It is expected to disrupt RNA splicing. Variants that disrupt the donor or acceptor splice site typically lead to a loss of protein function (PMID: 16199547), and loss-of-function variants in TSHR are known to be pathogenic (PMID: 8954020). This variant is not present in population databases (gnomAD no frequency). This variant has not been reported in the literature in individuals affected with TSHR-related conditions. Algorithms developed to predict the effect of sequence changes on RNA splicing suggest that this variant may disrupt the consensus splice site. In summary, the currently available evidence indicates that the variant is pathogenic, but additional data are needed to prove that conclusively. Therefore, this variant has been classified as Likely Pathogenic.

Literature cited by the submitters: PubMed 16199547; PubMed 8954020.